The following is an entry in ClinVar:

ClinVar aggregate classification (germline): Uncertain significance (1 of 4 stars; one submission).

Submission:

Labcorp Genetics (formerly Invitae), Labcorp
Classification: Uncertain significance. Last evaluated: 2023-04-15. Review status: criteria provided, single submitter. Criteria: Invitae Variant Classification Sherloc (09022015). Collection method: clinical testing. Allele origin: germline.
Comment: Advanced modeling of protein sequence and biophysical properties (such as structural, functional, and spatial information, amino acid conservation, physicochemical variation, residue mobility, and thermodynamic stability) performed at Invitae indicates that this missense variant is not expected to disrupt THBD protein function. In summary, the available evidence is currently insufficient to determine the role of this variant in disease. Therefore, it has been classified as a Variant of Uncertain Significance. This sequence change replaces threonine, which is neutral and polar, with isoleucine, which is neutral and non-polar, at codon 506 of the THBD protein (p.Thr506Ile). This variant is present in population databases (rs572623850, gnomAD 0.02%). This variant has not been reported in the literature in individuals affected with THBD-related conditions.

NM_000361.3(THBD):c.1517C>T (p.Thr506Ile)

Gene: THBD (thrombomodulin; minus strand). Cytogenetic location: 20p11.21.
Variant type: single nucleotide variant.
Coding change: c.1517C>T on transcript NM_000361.3 (MANE Select); coding-DNA position 1517, C replaced by T.
Protein change: p.Thr506Ile; replaces threonine 506 with isoleucine.
Molecular consequence: missense variant.
Genome position (GRCh38, 1-based): chr20:23,047,988, G>A on the plus strand (C>T on the coding strand, the complement: THBD is on the minus strand). VCF-style: chr20-23047988-G-A. GRCh37 (hg19) VCF-style: chr20-23028625-G-A.
Other names: short protein forms T506I.
Identifiers: ClinVar variation 2976104 (VCV002976104.3), dbSNP rs572623850, ClinGen allele CA9787539.